The following is an entry in ClinVar:

NM_001198950.3(MYO16):c.4818C>T (p.Pro1606=)

Gene: MYO16 (myosin XVI; plus strand). Cytogenetic location: 13q33.3.
Variant type: single nucleotide variant.
Coding change: c.4818C>T on transcript NM_001198950.3 (MANE Select); coding-DNA position 4818, C replaced by T.
Protein change: p.Pro1606=; no amino-acid change (proline 1606 retained).
Molecular consequence: synonymous variant.
Genome position (GRCh38, 1-based): chr13:109,141,030, C>T. VCF-style: chr13-109141030-C-T. GRCh37 (hg19) VCF-style: chr13-109793378-C-T.
Other names: c.4752C>T, p.Pro1584= (NM_015011.3).
Identifiers: ClinVar variation 3041177 (VCV003041177.2), dbSNP rs28664189, ClinGen allele CA7045780.

ClinVar aggregate classification (germline): Benign (0 of 4 stars; one submission).

Conditions:
MYO16-related disorder. Also called: MYO16-related condition.

Allele frequency attached by ClinVar (database versions not stated): TOPMed 0.02908; 1000 Genomes Project 30x 0.03217; 1000 Genomes Project 0.03295.
gnomAD v4.1: 6,621 of 1,330,604 alleles (0.5%); highest among the groups gnomAD compares: African/African-American, 8.9%; 273 homozygotes.

Submission:

PreventionGenetics, part of Exact Sciences
Classification: Benign for MYO16-related condition. Last evaluated: 2019-12-16. Review status: no assertion criteria provided. Collection method: clinical testing. Allele origin: germline.
Comment: This variant is classified as benign based on ACMG/AMP sequence variant interpretation guidelines (Richards et al. 2015 PMID: 25741868, with internal and published modifications).